The following is an entry in ClinVar:

ClinVar aggregate classification (germline): Uncertain significance (1 of 4 stars; one submission).

Submission:

Ambry Genetics
Classification: Uncertain significance. Last evaluated: 2024-12-08. Review status: criteria provided, single submitter. Criteria: Ambry Variant Classification Scheme 2023. Collection method: clinical testing. Allele origin: germline.
Comment: The p.V107A variant (also known as c.320T>C), located in coding exon 2 of the RNF43 gene, results from a T to C substitution at nucleotide position 320. The valine at codon 107 is replaced by alanine, an amino acid with similar properties. This amino acid position is conserved. In addition, the in silico prediction for this alteration is inconclusive. Based on the available evidence, the clinical significance of this variant remains unclear.

NM_017763.6(RNF43):c.320T>C (p.Val107Ala)

Gene: RNF43 (ring finger protein 43; minus strand). Cytogenetic location: 17q22.
Variant type: single nucleotide variant.
Coding change: c.320T>C on transcript NM_017763.6 (MANE Select); coding-DNA position 320, T replaced by C.
Protein change: p.Val107Ala; replaces valine 107 with alanine.
Molecular consequence: missense variant.
Genome position (GRCh38, 1-based): chr17:58,370,966, A>G on the plus strand (T>C on the coding strand, the complement: RNF43 is on the minus strand). VCF-style: chr17-58370966-A-G. GRCh37 (hg19) VCF-style: chr17-56448327-A-G.
Other names: c.320T>C, p.Val107Ala (NM_001305544.3); c.-62T>C (NM_001305545.2); short protein forms V107A.
Identifiers: ClinVar variation 3434549 (VCV003434549.1).
Genomic context (GRCh38, chr17:58,370,966, plus strand): 5'-TCTACCTTGCTAGCCAGTGACAGGCAGGGGCGGGGGGCCCGTCGAGGACTCTCCAGCTTG[A>G]CGATGCTGATGAATCCAGGCTCCAGATTGTCGTCATCACTGGCATTGCACAGGTACAGCG-3'
Protein context (NP_060233.3, residues 97-117): DNLEPGFISI[Val107Ala]KLESPRRAPR